The following is an entry in ClinVar:

ClinVar aggregate classification (germline): Conflicting classifications of pathogenicity. Review status: criteria provided, conflicting classifications (1 of 4 stars). 7 submissions from 6 submitters: Uncertain significance (2); Likely benign (5). Last evaluated 2026-07-01.

Conditions:
Hereditary cancer-predisposing syndrome. Also called: Tumor predisposition; Neoplastic Syndromes, Hereditary; Hereditary neoplastic syndrome; Hereditary Cancer Syndrome. Identifiers: Orphanet 140162, MedGen C0027672, MeSH D009386, MONDO:0015356.
Acrodysostosis 1 with or without hormone resistance (ACRDYS1). Also called: ACRODYSOSTOSIS 1 WITH HORMONE RESISTANCE; ACRODYSOSTOSIS 1 WITHOUT HORMONE RESISTANCE; ACRODYSOSTOSIS WITH HORMONE RESISTANCE. Identifiers: Orphanet 280651, MedGen C3276228, MONDO:0007044, OMIM 101800.
Carney complex, type 1 (CNC1). Also called: CARNEY COMPLEX, TYPE I; CARNEY MYXOMA-ENDOCRINE COMPLEX. Identifiers: Orphanet 1359, MedGen C2607929, MONDO:0008057, OMIM 160980.

Allele frequency attached by ClinVar (database versions not stated): ExAC 0.00001; gnomAD 0.00001; gnomAD exomes 0.00002 and 0.00003; TOPMed 0.00002.
gnomAD v4.1: 32 of 1,613,818 alleles (0.002%); highest among the groups gnomAD compares: Admixed American, 0.013%; no homozygotes.

Submissions (7):

CeGaT Center for Human Genetics Tuebingen
Classification: Likely benign. Last evaluated: 2026-07-01. Review status: criteria provided, single submitter. Criteria: CeGaT Center For Human Genetics Tuebingen Variant Classification Criteria Version 2. Collection method: clinical testing. Allele origin: germline. Affected: yes. Observed: 1 variant allele.
Comment: PRKAR1A: BP4, BP7

Labcorp Genetics (formerly Invitae), Labcorp
Classification: Likely benign for Carney complex, type 1. Last evaluated: 2026-02-04. Review status: criteria provided, single submitter. Criteria: Invitae Variant Classification Sherloc (09022015). Collection method: clinical testing. Allele origin: germline.

Women's Health and Genetics/Laboratory Corporation of America, LabCorp
Classification: Likely benign. Last evaluated: 2025-07-05. Review status: criteria provided, single submitter. Criteria: LabCorp Variant Classification Summary - May 2015. Collection method: clinical testing. Allele origin: germline.

Sema4
Classification: Likely benign for Hereditary cancer-predisposing syndrome. Last evaluated: 2021-12-16. Review status: criteria provided, single submitter. Criteria: Sema4 Curation Guidelines. Collection method: curation. Allele origin: germline.

Illumina Laboratory Services, Illumina
Classification: Uncertain significance for Carney complex, type 1. Last evaluated: 2018-01-13. Review status: criteria provided, single submitter. Criteria: ICSL Variant Classification Criteria 13 December 2019. Collection method: clinical testing. Allele origin: germline.

Illumina Laboratory Services, Illumina
Classification: Uncertain significance for Acrodysostosis 1 with or without hormone resistance. Last evaluated: 2018-01-13. Review status: criteria provided, single submitter. Criteria: ICSL Variant Classification Criteria 13 December 2019. Collection method: clinical testing. Allele origin: germline.

Ambry Genetics
Classification: Likely benign for Hereditary cancer-predisposing syndrome. Last evaluated: 2017-05-31. Review status: criteria provided, single submitter. Criteria: Ambry Variant Classification Scheme 2023. Collection method: clinical testing. Allele origin: germline.

NM_002734.5(PRKAR1A):c.309G>A (p.Glu103=)

Gene: PRKAR1A (protein kinase cAMP-dependent type I regulatory subunit alpha; plus strand). Cytogenetic location: 17q24.2.
Variant type: single nucleotide variant.
Coding change: c.309G>A on transcript NM_002734.5 (MANE Select); coding-DNA position 309, G replaced by A.
Protein change: p.Glu103=; no amino-acid change (glutamic acid 103 retained).
Molecular consequence: synonymous variant.
Genome position (GRCh38, 1-based): chr17:68,522,887, G>A. VCF-style: chr17-68522887-G-A. GRCh37 (hg19) VCF-style: chr17-66519028-G-A.
Other names: c.309G>A, p.Glu103= (NM_001276289.2, NM_001276290.1, NM_001278433.2 and 4 more transcripts).
Identifiers: ClinVar variation 324782 (VCV000324782.24), dbSNP rs746113372, ClinGen allele CA8729207.
Genomic context (GRCh38, chr17:68,522,887, plus strand): 5'-TCCTCCTCCACCCAACCCAGTGGTTAAAGGTAGGAGGCGACGAGGTGCTATCAGCGCTGA[G>A]GTCTACACGGAGGAAGATGCGGCATCCTATGTTAGAAAGGTAGTTTTGATATTTGAATAT-3'
Protein context (NP_002725.1, residues 93-113): GRRRRGAISA[Glu103=]VYTEEDAASY